The following is an entry in ClinVar:

NM_000059.4(BRCA2):c.277T>C (p.Ser93Pro)

Gene: BRCA2 (BRCA2 DNA repair associated; plus strand). Cytogenetic location: 13q13.1.
Variant type: single nucleotide variant.
Coding change: c.277T>C on transcript NM_000059.4 (MANE Select); coding-DNA position 277, T replaced by C.
Protein change: p.Ser93Pro; replaces serine 93 with proline.
Molecular consequence: missense variant.
Genome position (GRCh38, 1-based): chr13:32,319,286, T>C. VCF-style: chr13-32319286-T-C. GRCh37 (hg19) VCF-style: chr13-32893423-T-C.
Other names: short protein forms S93P.
Identifiers: ClinVar variation 441493 (VCV000441493.18), dbSNP rs776730435, ClinGen allele CA6940336.

ClinVar aggregate classification (germline): Conflicting classifications of pathogenicity. Review status: criteria provided, conflicting classifications (1 of 4 stars). 3 submissions from 3 submitters: Uncertain significance (2); Likely benign (1). Last evaluated 2024-09-06.

Conditions:
Hereditary cancer-predisposing syndrome. Also called: Hereditary Cancer Syndrome; Hereditary neoplastic syndrome; Neoplastic Syndromes, Hereditary; Tumor predisposition. Identifiers: Orphanet 140162, MedGen C0027672, MeSH D009386, MONDO:0015356.
Hereditary breast ovarian cancer syndrome. Also called: Hereditary breast and ovarian cancer; Breast and ovarian cancer; Hereditary breast and ovarian cancer syndrome; Hereditary breast and/or ovarian cancer syndrome; BRCA1- and BRCA2-Associated Hereditary Breast and Ovarian Cancer; Hereditary breast and ovarian cancer syndrome (HBOC). Identifiers: Orphanet 145, MedGen C0677776, MeSH D061325, MONDO:0003582. Disease mechanism: loss of function.

Allele frequency attached by ClinVar (database versions not stated): gnomAD exomes below 0.00001; ExAC 0.00001.
gnomAD v4.1: 2 of 1,613,882 alleles (0.00012%); highest among the groups gnomAD compares: Non-Finnish European, 0.000085%; no homozygotes.

Submissions (3):

Ambry Genetics
Classification: Uncertain significance for Hereditary cancer-predisposing syndrome. Last evaluated: 2024-09-06. Review status: criteria provided, single submitter. Criteria: Ambry Variant Classification Scheme 2023. Collection method: clinical testing. Allele origin: germline.
Comment: The p.S93P variant (also known as c.277T>C), located in coding exon 2 of the BRCA2 gene, results from a T to C substitution at nucleotide position 277. The serine at codon 93 is replaced by proline, an amino acid with similar properties. This amino acid position is highly conserved in available vertebrate species. In addition, this alteration is predicted to be tolerated by in silico analysis. Since supporting evidence is limited at this time, the clinical significance of this alteration remains unclear.

German Consortium for Hereditary Breast and Ovarian Cancer, University Hospital Cologne
Classification: Likely benign for Hereditary breast ovarian cancer syndrome. Last evaluated: 2023-10-19. Review status: criteria provided, single submitter. Criteria: ACMG Guidelines, 2015. Collection method: curation. Allele origin: germline.
Comment: Coldspot variant outside (potentially) relevant functional domain (ClinGen BRCA1/2 ACMG Guidelines, ENIGMA, BP1_strong). According to the ACMG standard criteria we chose this criterium: BP1 (strong benign): Coldspot variant outside (potentially) relevant functional domain (ClinGen BRCA1/2 ACMG Guidelines, ENIGMA, BP1_strong)

Labcorp Genetics (formerly Invitae), Labcorp
Classification: Uncertain significance for Hereditary breast ovarian cancer syndrome. Last evaluated: 2020-03-04. Review status: criteria provided, single submitter. Criteria: Invitae Variant Classification Sherloc (09022015). Collection method: clinical testing. Allele origin: germline.
Comment: This sequence change replaces serine with proline at codon 93 of the BRCA2 protein (p.Ser93Pro). The serine residue is moderately conserved and there is a moderate physicochemical difference between serine and proline. This variant is present in population databases (rs776730435, ExAC 0.002%). This variant has not been reported in the literature in individuals with BRCA2-related conditions. ClinVar contains an entry for this variant (Variation ID: 441493). Algorithms developed to predict the effect of missense changes on protein structure and function are either unavailable or do not agree on the potential impact of this missense change (SIFT: "Deleterious"; PolyPhen-2: "Probably Damaging"; Align-GVGD: "Class C0"). In summary, the available evidence is currently insufficient to determine the role of this variant in disease. Therefore, it has been classified as a Variant of Uncertain Significance.